The following is an entry in ClinVar:

NM_001572.5(IRF7):c.1286C>G (p.Thr429Ser)

Gene: IRF7 (interferon regulatory factor 7; minus strand). Cytogenetic location: 11p15.5.
Variant type: single nucleotide variant.
Coding change: c.1286C>G on transcript NM_001572.5 (MANE Select); coding-DNA position 1286, C replaced by G.
Protein change: p.Thr429Ser; replaces threonine 429 with serine.
Molecular consequence: missense variant.
Genome position (GRCh38, 1-based): chr11:613,069, G>C on the plus strand (C>G on the coding strand, the complement: IRF7 is on the minus strand). VCF-style: chr11-613069-G-C. GRCh37 (hg19) VCF-style: chr11-613069-G-C.
Other names: c.1199C>G, p.Thr400Ser (NM_004029.4); c.1325C>G, p.Thr442Ser (NM_004031.4); short protein forms T429S, T442S, T400S.
Identifiers: ClinVar variation 2118950 (VCV002118950.4), dbSNP rs1331087922, ClinGen allele CA378977012.

ClinVar aggregate classification (germline): Uncertain significance (1 of 4 stars; one submission).

Conditions:
Immunodeficiency 39 (IMD39). Identifiers: Orphanet 574918, MedGen C4225358, MONDO:0014597, OMIM 616345.

Allele frequency attached by ClinVar (database versions not stated): TOPMed 0.00001.

Submission:

Labcorp Genetics (formerly Invitae), Labcorp
Classification: Uncertain significance for Immunodeficiency 39. Last evaluated: 2022-03-28. Review status: criteria provided, single submitter. Criteria: Invitae Variant Classification Sherloc (09022015). Collection method: clinical testing. Allele origin: germline.
Comment: This sequence change replaces threonine, which is neutral and polar, with serine, which is neutral and polar, at codon 442 of the IRF7 protein (p.Thr442Ser). In summary, the available evidence is currently insufficient to determine the role of this variant in disease. Therefore, it has been classified as a Variant of Uncertain Significance. Algorithms developed to predict the effect of missense changes on protein structure and function are either unavailable or do not agree on the potential impact of this missense change (SIFT: "Deleterious"; PolyPhen-2: "Probably Damaging"; Align-GVGD: "Class C0"). This variant has not been reported in the literature in individuals affected with IRF7-related conditions. This variant is not present in population databases (gnomAD no frequency).